The following is an entry in ClinVar:

NM_006390.4(IPO8):c.2636G>A (p.Arg879Lys)

Gene: IPO8 (importin 8; minus strand). Cytogenetic location: 12p11.21.
Variant type: single nucleotide variant.
Coding change: c.2636G>A on transcript NM_006390.4 (MANE Select); coding-DNA position 2636, G replaced by A.
Protein change: p.Arg879Lys; replaces arginine 879 with lysine.
Molecular consequence: missense variant.
Genome position (GRCh38, 1-based): chr12:30,637,041, C>T on the plus strand (G>A on the coding strand, the complement: IPO8 is on the minus strand). VCF-style: chr12-30637041-C-T. GRCh37 (hg19) VCF-style: chr12-30789975-C-T.
Other names: c.2021G>A, p.Arg674Lys (NM_001190995.2); short protein forms R674K, R879K.
Identifiers: ClinVar variation 1701194 (VCV001701194.32), dbSNP rs61751231, ClinGen allele CA6498607.
Genomic context (GRCh38, chr12:30,637,041, plus strand): 5'-CCATTTTCTTCCATATCAGCTTTCTCTGCTTTTGAACGATCTTCCCGGTTTACCAGTTGT[C>T]TAGTAGCACAGACCTGCTTTAGGCCAAGGAAAAGGAAAAGAATTGAGGGAACAATCTGTC-3'
Protein context (NP_006381.2, residues 869-889): FLGLKQVCAT[Arg879Lys]QLVNREDRSK

ClinVar aggregate classification (germline): Benign/Likely benign. Review status: criteria provided, multiple submitters, no conflicts (2 of 4 stars). 2 submissions from 2 submitters: Benign (1); Likely benign (1). Last evaluated 2026-09-01.

Allele frequency attached by ClinVar (database versions not stated): 1000 Genomes Project 0.00419; 1000 Genomes Project 30x 0.00468; gnomAD 0.00747 and 0.00777; TOPMed 0.00773; gnomAD exomes 0.00831; ExAC 0.00868; ESP Exome Variant Server 0.00961.
gnomAD v4.1: 18,388 of 1,613,952 alleles (1.1%); highest among the groups gnomAD compares: Non-Finnish European, 1.4%; 129 homozygotes.

Submissions (2):

CeGaT Center for Human Genetics Tuebingen
Classification: Benign. Last evaluated: 2026-09-01. Review status: criteria provided, single submitter. Criteria: CeGaT Center For Human Genetics Tuebingen Variant Classification Criteria Version 2. Collection method: clinical testing. Allele origin: germline. Affected: yes. Observed: 56 variant alleles.
Comment: IPO8: BS1, BS2

Women's Health and Genetics/Laboratory Corporation of America, LabCorp
Classification: Likely benign. Last evaluated: 2026-05-11. Review status: criteria provided, single submitter. Criteria: LabCorp Variant Classification Summary - May 2015. Collection method: clinical testing. Allele origin: germline.